The following is an entry in ClinVar:

NM_001267550.2(TTN):c.105643A>C (p.Thr35215Pro)

Genes: TTN (titin; minus strand), TTN-AS1 (TTN antisense RNA 1; plus strand), LOC129935183 (ATAC-STARR-seq lymphoblastoid active region 16808; plus strand). Cytogenetic location: 2q31.2.
Variant type: single nucleotide variant.
Coding change: c.105643A>C on transcript NM_001267550.2 (MANE Select); coding-DNA position 105643, A replaced by C.
Protein change: p.Thr35215Pro; replaces threonine 35215 with proline.
Molecular consequence: missense variant.
Genome position (GRCh38, 1-based): chr2:178,530,972, T>G on the plus strand (A>C on the coding strand, the complement: TTN is on the minus strand). VCF-style: chr2-178530972-T-G. GRCh37 (hg19) VCF-style: chr2-179395699-T-G.
Other names: c.100720A>C, p.Thr33574Pro (NM_001256850.1); c.78448A>C, p.Thr26150Pro (NM_003319.4); c.97939A>C, p.Thr32647Pro (NM_133378.4); c.78823A>C, p.Thr26275Pro (NM_133432.3); c.79024A>C, p.Thr26342Pro (NM_133437.4); short protein forms T26342P, T33574P, T35215P, T32647P, T26150P, T26275P.
Identifiers: ClinVar variation 1038527 (VCV001038527.9), dbSNP rs769195414, ClinGen allele CA1985225.

ClinVar aggregate classification (germline): Uncertain significance. Review status: criteria provided, multiple submitters, no conflicts (2 of 4 stars). 2 submissions from 2 submitters: Uncertain significance (2). Last evaluated 2025-01-01.

Conditions:
Hypertrophic cardiomyopathy 9. Also called: Familial hypertrophic cardiomyopathy 9. Identifiers: MedGen C1861065, MONDO:0013412, OMIM 613765.
Tibial muscular dystrophy (TMD). Also called: UDD MYOPATHY; Udd Distal Myopathy – Tibial Muscular Dystrophy; Tibial muscular dystrophy, tardive. Identifiers: Orphanet 609, MedGen C1838244, MONDO:0010870, OMIM 600334.
Early-onset myopathy with fatal cardiomyopathy (CMYO5). Also called: Salih Myopathy; CONGENITAL MYOPATHY 5 WITH CARDIOMYOPATHY. Identifiers: Orphanet 289377, MedGen C2673677, MONDO:0012714, OMIM 611705. Disease mechanism: loss of function.
Myopathy, myofibrillar, 9, with early respiratory failure (MFM9). Also called: MYOPATHY, PROXIMAL, WITH EARLY RESPIRATORY MUSCLE INVOLVEMENT; Hereditary myopathy with early respiratory failure; EDSTROM MYOPATHY; Myopathy, distal, with early respiratory failure, autosomal dominant. Identifiers: Orphanet 178464, Orphanet 34521, MedGen C1863599, MONDO:0011362, OMIM 603689.
Dilated cardiomyopathy 1G (CMD1G). Identifiers: Orphanet 154, MedGen C1858763, MONDO:0011400, OMIM 604145.
Autosomal recessive limb-girdle muscular dystrophy type 2J (LGMDR10). Also called: Limb-girdle muscular dystrophy, type 2J; MUSCULAR DYSTROPHY, LIMB-GIRDLE, AUTOSOMAL RECESSIVE 10. Identifiers: Orphanet 140922, MedGen C1837342, MONDO:0012127, OMIM 608807.

Allele frequency attached by ClinVar (database versions not stated): gnomAD 0.00001; ExAC 0.00002; gnomAD exomes 0.00002.
gnomAD v4.1: 9 of 1,613,820 alleles (0.00056%); highest among the groups gnomAD compares: Admixed American, 0.0017%; no homozygotes.

Submissions (2):

Labcorp Genetics (formerly Invitae), Labcorp
Classification: Uncertain significance for Dilated cardiomyopathy 1G; Autosomal recessive limb-girdle muscular dystrophy type 2J. Last evaluated: 2025-01-01. Review status: criteria provided, single submitter. Criteria: Invitae Variant Classification Sherloc (09022015). Collection method: clinical testing. Allele origin: germline.
Comment: This sequence change replaces threonine, which is neutral and polar, with proline, which is neutral and non-polar, at codon 35215 of the TTN protein (p.Thr35215Pro). This variant is present in population databases (rs769195414, gnomAD 0.004%). This variant has not been reported in the literature in individuals affected with TTN-related conditions. ClinVar contains an entry for this variant (Variation ID: 1038527). Experimental studies and prediction algorithms are not available or were not evaluated, and the functional significance of this variant is currently unknown. This variant is located in the M band of TTN (PMID: 25589632). Non-truncating variants in this region may be relevant for neuromuscular disorders, but have not been definitively shown to cause cardiomyopathy (PMID: 23975875). In summary, the available evidence is currently insufficient to determine the role of this variant in disease. Therefore, it has been classified as a Variant of Uncertain Significance.

Fulgent Genetics
Classification: Uncertain significance for Tibial muscular dystrophy; Myopathy, myofibrillar, 9, with early respiratory failure; Dilated cardiomyopathy 1G; Autosomal recessive limb-girdle muscular dystrophy type 2J; Early-onset myopathy with fatal cardiomyopathy; Hypertrophic cardiomyopathy 9. Last evaluated: 2021-07-22. Review status: criteria provided, single submitter. Criteria: ACMG Guidelines, 2015. Collection method: clinical testing. Allele origin: unknown.

Literature cited by the submitters: PubMed 25589632 (cited by Labcorp Genetics (formerly Invitae), Labcorp); PubMed 23975875 (cited by Labcorp Genetics (formerly Invitae), Labcorp).